The following is an entry in ClinVar:

NM_002880.4(RAF1):c.892A>C (p.Asn298His)

Gene: RAF1 (Raf-1 proto-oncogene, serine/threonine kinase; minus strand). Cytogenetic location: 3p25.2.
Variant type: single nucleotide variant.
Coding change: c.892A>C on transcript NM_002880.4 (MANE Select); coding-DNA position 892, A replaced by C.
Protein change: p.Asn298His; replaces asparagine 298 with histidine.
Molecular consequence: missense variant. On other transcripts: non-coding transcript variant (3).
Genome position (GRCh38, 1-based): chr3:12,600,250, T>G on the plus strand (A>C on the coding strand, the complement: RAF1 is on the minus strand). VCF-style: chr3-12600250-T-G. GRCh37 (hg19) VCF-style: chr3-12641749-T-G.
Other names: c.952A>C, p.Asn318His (NM_001354689.3); c.892A>C, p.Asn298His (NM_001354690.3); c.649A>C, p.Asn217His (NM_001354691.3, NM_001354692.3); c.793A>C, p.Asn265His (NM_001354693.3); c.709A>C, p.Asn237His (NM_001354694.3); c.550A>C, p.Asn184His (NM_001354695.3); short protein forms N298H, N217H, N318H, N184H, N265H, N237H.
Identifiers: ClinVar variation 239408 (VCV000239408.9), dbSNP rs878854567, ClinGen allele CA10582128.

ClinVar aggregate classification (germline): Uncertain significance (1 of 4 stars; one submission).

Conditions:
RASopathy. Also called: Noonan spectrum disorder; rasopathies. Identifiers: Orphanet 536391, MedGen C5555857, MONDO:0021060.

Submission:

Labcorp Genetics (formerly Invitae), Labcorp
Classification: Uncertain significance for RASopathy. Last evaluated: 2018-08-28. Review status: criteria provided, single submitter. Criteria: Invitae Variant Classification Sherloc (09022015). Collection method: clinical testing. Allele origin: germline.
Comment: This sequence change replaces asparagine with histidine at codon 298 of the RAF1 protein (p.Asn298His). The asparagine residue is moderately conserved and there is a small physicochemical difference between asparagine and histidine. Algorithms developed to predict the effect of missense changes on protein structure and function (SIFT, PolyPhen-2, Align-GVGD) all suggest that this variant is likely to be tolerated, but these predictions have not been confirmed by published functional studies. This variant is not present in population databases (ExAC no frequency) and has not been reported in the literature in individuals with a RAF1-related disease. In summary, this is a novel missense change that is not predicted to affect protein function or cause disease. However the evidence is insufficient at this time to prove that conclusively. It has been classified as a Variant of Uncertain Significance.